The following is an entry in ClinVar:

ClinVar aggregate classification (germline): Uncertain significance. Review status: criteria provided, multiple submitters, no conflicts (2 of 4 stars). 2 submissions from 2 submitters: Uncertain significance (2). Last evaluated 2024-04-25.

Conditions:
Cardiomyopathy (CMYO). Also called: Cardiomyopathies. Identifiers: Orphanet 167848, MedGen C0878544, MONDO:0004994, HP:0001638. Inheritance: Various modes of inheritance.
Familial isolated arrhythmogenic right ventricular dysplasia. Identifiers: Orphanet 217656, MedGen C4274968, MONDO:0016342.

Submissions (2):

All of Us Research Program, National Institutes of Health
Classification: Uncertain significance for Familial isolated arrhythmogenic right ventricular dysplasia. Last evaluated: 2024-04-25. Review status: criteria provided, single submitter. Criteria: ACMG Guidelines, 2015. Collection method: clinical testing. Allele origin: germline. Inheritance: Autosomal dominant inheritance. Observed: 1 variant allele, 1 heterozygote.
Comment: This missense variant replaces glutamine with histidine at codon 331 of the DSC2 protein. Computational prediction suggests that this variant may not impact protein structure and function (internally defined REVEL score threshold <= 0.5, PMID: 27666373). To our knowledge, functional studies have not been reported for this variant. This variant has not been reported in individuals affected with DSC2-related disorders in the literature. This variant has not been identified in the general population by the Genome Aggregation Database (gnomAD). The available evidence is insufficient to determine the role of this variant in disease conclusively. Therefore, this variant is classified as a Variant of Uncertain Significance.

This study involves interpretation of variants in research participants for the purpose of population health screening. Participant phenotype was not available at the time of variant classification. Additional details can be found in publication PMID: 35346344, PMCID: PMC8962531

Color Diagnostics, LLC DBA Color Health
Classification: Uncertain significance for Cardiomyopathy. Last evaluated: 2024-02-14. Review status: criteria provided, single submitter. Criteria: ACMG Guidelines, 2015. Collection method: clinical testing. Allele origin: germline.
Comment: This missense variant replaces glutamine with histidine at codon 331 of the DSC2 protein. Computational prediction suggests that this variant may not impact protein structure and function (internally defined REVEL score threshold <= 0.5, PMID: 27666373). To our knowledge, functional studies have not been reported for this variant. This variant has not been reported in individuals affected with DSC2-related disorders in the literature. This variant has not been identified in the general population by the Genome Aggregation Database (gnomAD). The available evidence is insufficient to determine the role of this variant in disease conclusively. Therefore, this variant is classified as a Variant of Uncertain Significance.

NM_024422.6(DSC2):c.993G>C (p.Gln331His)

Gene: DSC2 (desmocollin 2; minus strand). Cytogenetic location: 18q12.1.
Variant type: single nucleotide variant.
Coding change: c.993G>C on transcript NM_024422.6 (MANE Select); coding-DNA position 993, G replaced by C.
Protein change: p.Gln331His; replaces glutamine 331 with histidine.
Molecular consequence: missense variant.
Genome position (GRCh38, 1-based): chr18:31,083,010, C>G on the plus strand (G>C on the coding strand, the complement: DSC2 is on the minus strand). VCF-style: chr18-31083010-C-G. GRCh37 (hg19) VCF-style: chr18-28662976-C-G.
Other names: c.564G>C, p.Gln188His (NM_001406506.1, NM_001406507.1); c.993G>C, p.Gln331His (NM_004949.5); short protein forms Q188H, Q331H.
Identifiers: ClinVar variation 3386539 (VCV003386539.2).